The following is an entry in ClinVar:

ClinVar aggregate classification (germline): Pathogenic (1 of 4 stars; one submission).

Conditions:
Mucolipidosis type IV (ML4). Also called: ML IV. Identifiers: Orphanet 578, MedGen C0238286, MONDO:0009653, OMIM 252650.

Submission:

Myriad Genetics, Inc.
Classification: Pathogenic for Mucolipidosis type IV. Last evaluated: 2023-10-12. Review status: criteria provided, single submitter. Criteria: Myriad Autosomal Dominant, Autosomal Recessive and X-Linked Classification Criteria (2023). Collection method: clinical testing. Allele origin: unknown.
Comment: NM_020533.2(MCOLN1):c.575delG(C192Sfs*46) is expected to be pathogenic in the context of mucolipidosis IV. This variant is predicted to lead to an abnormal or absent protein product due to the creation of a premature termination codon in MCOLN1, a gene where loss-of-function variants are known to be pathogenic. Please note: this variant was assessed in the context of healthy population screening.

NM_020533.3(MCOLN1):c.575del (p.Cys192fs)

Gene: MCOLN1 (mucolipin TRP cation channel 1; plus strand). Cytogenetic location: 19p13.2.
Variant type: Deletion.
Coding change: c.575del on transcript NM_020533.3 (MANE Select); coding-DNA position 575, one base deleted (G; older notation c.575delG).
Protein change: p.Cys192fs; shifts the reading frame from cysteine 192.
Molecular consequence: frameshift variant.
Genome position (GRCh38, 1-based): chr19:7,527,523, G deleted. VCF-style (leftmost placement, unchanged base first): chr19-7527522-TG-T. GRCh37 (hg19) VCF-style: chr19-7592408-TG-T.
Other names: short protein forms C192fs.
Identifiers: ClinVar variation 5012379 (VCV005012379.1).